The following is an entry in ClinVar:

NM_019066.5(MAGEL2):c.1841C>T (p.Ala614Val)

Gene: MAGEL2 (MAGE family member L2; minus strand). Cytogenetic location: 15q11.2.
Variant type: single nucleotide variant.
Coding change: c.1841C>T on transcript NM_019066.5 (MANE Select); coding-DNA position 1841, C replaced by T.
Protein change: p.Ala614Val; replaces alanine 614 with valine.
Molecular consequence: missense variant.
Genome position (GRCh38, 1-based): chr15:23,645,902, G>A on the plus strand (C>T on the coding strand, the complement: MAGEL2 is on the minus strand). VCF-style: chr15-23645902-G-A. GRCh37 (hg19) VCF-style: chr15-23891049-G-A.
Other names: short protein forms A614V.
Identifiers: ClinVar variation 4693694 (VCV004693694.1).
Genomic context (GRCh38, chr15:23,645,902, plus strand): 5'-TCCTGGGCAGGCAGGGGCTGCCAGATGTGAGTGGGGGCCTTCTGGGCCTGCCAGGCCAGC[G>A]CCTGTGTCTGCTGCACCTCCTGGAATTCCATTGACGTTGGAATCTCGTGTGGCACCGGGG-3'
Protein context (NP_061939.3, residues 604-624): MEFQEVQQTQ[Ala614Val]LAWQAQKAPT

ClinVar aggregate classification (germline): Uncertain significance (1 of 4 stars; one submission).

gnomAD v4.1: 3 of 1,573,284 alleles (0.00019%); highest among the groups gnomAD compares: East Asian, 0.0023%; no homozygotes.

Submission:

Labcorp Genetics (formerly Invitae), Labcorp
Classification: Uncertain significance. Last evaluated: 2025-10-20. Review status: criteria provided, single submitter. Criteria: Invitae Variant Classification Sherloc (09022015). Collection method: clinical testing. Allele origin: germline.
Comment: This sequence change replaces alanine, which is neutral and non-polar, with valine, which is neutral and non-polar, at codon 614 of the MAGEL2 protein (p.Ala614Val). This variant is not present in population databases (gnomAD no frequency). This variant has not been reported in the literature in individuals affected with MAGEL2-related conditions. Invitae Evidence Modeling of protein sequence and biophysical properties (such as structural, functional, and spatial information, amino acid conservation, physicochemical variation, residue mobility, and thermodynamic stability) indicates that this missense variant is not expected to disrupt MAGEL2 protein function with a negative predictive value of 80%. In summary, the available evidence is currently insufficient to determine the role of this variant in disease. Therefore, it has been classified as a Variant of Uncertain Significance.